The following is an entry in ClinVar:

ClinVar aggregate classification (germline): Uncertain significance (1 of 4 stars; one submission).

Conditions:
Regional enteritis. Also called: Enteritis, Granulomatous. Identifiers: MedGen C0678202, MeSH D003424.
Blau syndrome (BLAUS). Also called: ARTHROCUTANEOUVEAL GRANULOMATOSIS; GRANULOMATOSIS, FAMILIAL JUVENILE SYSTEMIC; GRANULOMATOSIS, FAMILIAL, BLAU TYPE; GRANULOMATOUS INFLAMMATORY ARTHRITIS, DERMATITIS, AND UVEITIS, FAMILIAL; JABS SYNDROME. Identifiers: Orphanet 90340, MedGen C5201146, MONDO:0008523, OMIM 186580.

gnomAD v4.1: 12 of 1,613,994 alleles (0.00074%); highest among the groups gnomAD compares: Admixed American, 0.0017%; no homozygotes.

Submission:

Labcorp Genetics (formerly Invitae), Labcorp
Classification: Uncertain significance for Regional enteritis; Blau syndrome. Last evaluated: 2025-02-23. Review status: criteria provided, single submitter. Criteria: Invitae Variant Classification Sherloc (09022015). Collection method: clinical testing. Allele origin: germline.
Comment: This sequence change replaces leucine, which is neutral and non-polar, with phenylalanine, which is neutral and non-polar, at codon 975 of the NOD2 protein (p.Leu975Phe). This variant is not present in population databases (gnomAD no frequency). This variant has not been reported in the literature in individuals affected with NOD2-related conditions. Invitae Evidence Modeling of protein sequence and biophysical properties (such as structural, functional, and spatial information, amino acid conservation, physicochemical variation, residue mobility, and thermodynamic stability) indicates that this missense variant is not expected to disrupt NOD2 protein function with a negative predictive value of 95%. In summary, the available evidence is currently insufficient to determine the role of this variant in disease. Therefore, it has been classified as a Variant of Uncertain Significance.

NM_001370466.1(NOD2):c.2842C>T (p.Leu948Phe)

Gene: NOD2 (nucleotide binding oligomerization domain containing 2; plus strand). Cytogenetic location: 16q12.1.
Variant type: single nucleotide variant.
Coding change: c.2842C>T on transcript NM_001370466.1 (MANE Select); coding-DNA position 2842, C replaced by T.
Protein change: p.Leu948Phe; replaces leucine 948 with phenylalanine.
Molecular consequence: missense variant. On other transcripts: non-coding transcript variant (1).
Genome position (GRCh38, 1-based): chr16:50,725,529, C>T. VCF-style: chr16-50725529-C-T. GRCh37 (hg19) VCF-style: chr16-50759440-C-T.
Other names: c.2842C>T, p.Leu948Phe (NM_001293557.2); c.2923C>T, p.Leu975Phe (NM_022162.3); short protein forms L948F, L975F.
Identifiers: ClinVar variation 4791282 (VCV004791282.1).